The following is an entry in ClinVar:

NM_000363.5(TNNI3):c.109-132A>G

Gene: TNNI3 (troponin I3, cardiac type; minus strand). Cytogenetic location: 19q13.42.
Variant type: single nucleotide variant.
Coding change: c.109-132A>G on transcript NM_000363.5 (MANE Select); 132 bases into the intron before coding-DNA position 109, A replaced by G.
Molecular consequence: intron variant.
Genome position (GRCh38, 1-based): chr19:55,156,776, T>C on the plus strand (A>G on the coding strand, the complement: TNNI3 is on the minus strand). VCF-style: chr19-55156776-T-C. GRCh37 (hg19) VCF-style: chr19-55668144-T-C.
Identifiers: ClinVar variation 671411 (VCV000671411.2), dbSNP rs73617693, ClinGen allele CA14717224.

ClinVar aggregate classification (germline): Benign. Review status: criteria provided, multiple submitters, no conflicts (2 of 4 stars). 2 submissions from 2 submitters: Benign (2). Last evaluated 2018-06-14.

Allele frequency attached by ClinVar (database versions not stated): gnomAD exomes 0.00908; gnomAD 0.06979 and 0.07431; 1000 Genomes Project 0.07728; TOPMed 0.07919; 1000 Genomes Project 30x 0.08276.
gnomAD v4.1: 19,285 of 1,060,300 alleles (1.8%); highest among the groups gnomAD compares: African/African-American, 23%; 1,831 homozygotes.

Submissions (2):

GeneDx
Classification: Benign. Last evaluated: 2018-06-14. Review status: criteria provided, single submitter. Criteria: GeneDx Variant Classification (06012015). Collection method: clinical testing. Allele origin: germline. Affected: yes.
Comment: This variant is considered likely benign or benign based on one or more of the following criteria: it is a conservative change, it occurs at a poorly conserved position in the protein, it is predicted to be benign by multiple in silico algorithms, and/or has population frequency not consistent with disease.

Breakthrough Genomics
Classification: Benign. Review status: criteria provided, single submitter. Criteria: ACMG Guidelines, 2015. Collection method: not provided. Allele origin: germline. Inheritance: Autosomal recessive inheritance. Affected: yes.